The following is an entry in ClinVar:

ClinVar aggregate classification (germline): Uncertain significance (1 of 4 stars; one submission).

Submission:

Women's Health and Genetics/Laboratory Corporation of America, LabCorp
Classification: Uncertain significance. Last evaluated: 2025-07-07. Review status: criteria provided, single submitter. Criteria: LabCorp Variant Classification Summary - May 2015. Collection method: clinical testing. Allele origin: germline.
Comment: Variant summary: The variant involves the duplication of exons 1-7 in the PIGB gene. The exact breakpoint at the 5' end of this variant is unknown, therefore this duplication may extend upstream of the annotated region of this gene. It is predicted to duplicate a segment including the initiation codon, therefore its impact on the encoded protein is unknown. A presumed nomenclature of c.(?_-30)_(846+1_847-1)dup has been designated for the purposes of this classification. The variant was absent in 21694 control chromosomes. The available data on variant occurrences in the general population are insufficient to allow any conclusion about variant significance. To our knowledge, no occurrence of c.(?_-30)_(846+1_847-1)dup in individuals affected with Developmental And Epileptic Encephalopathy, 80 and no experimental evidence demonstrating its impact on protein function have been reported. ClinVar contains an entry for this variant (Variation ID: 2425234). Based on the evidence outlined above, the variant was classified as uncertain significance.

NC_000015.9:g.(?_55611419)_(55631517_55632809)dup

Gene: PIGB (phosphatidylinositol glycan anchor biosynthesis class B; plus strand). Cytogenetic location: 15q21.3.
Variant type: Duplication.
Identifiers: ClinVar variation 4526124 (VCV004526124.1).